The following is an entry in ClinVar:

NM_001371596.2(MFSD8):c.1072G>A (p.Gly358Arg)

Gene: MFSD8 (major facilitator superfamily domain containing 8; minus strand). Cytogenetic location: 4q28.2.
Variant type: single nucleotide variant.
Coding change: c.1072G>A on transcript NM_001371596.2 (MANE Select); coding-DNA position 1072, G replaced by A.
Protein change: p.Gly358Arg; replaces glycine 358 with arginine.
Molecular consequence: missense variant.
Genome position (GRCh38, 1-based): chr4:127,921,890, C>T on the plus strand (G>A on the coding strand, the complement: MFSD8 is on the minus strand). VCF-style: chr4-127921890-C-T. GRCh37 (hg19) VCF-style: chr4-128843045-C-T.
Other names: c.871G>A, p.Gly291Arg (NM_001363520.3); c.757G>A, p.Gly253Arg (NM_001363521.3); c.937G>A, p.Gly313Arg (NM_001371590.2); c.1072G>A, p.Gly358Arg (NM_001371591.2, NM_152778.4); c.1078G>A, p.Gly360Arg (NM_001371592.2); c.958G>A, p.Gly320Arg (NM_001371593.2); c.925G>A, p.Gly309Arg (NM_001371594.2); c.790G>A, p.Gly264Arg (NM_001371595.1); and 1 more; short protein forms G291R, G320R, G358R, G253R, G264R, G309R, G313R, G360R.
Identifiers: ClinVar variation 1440764 (VCV001440764.7), dbSNP rs781391960, ClinGen allele CA3077302.

ClinVar aggregate classification (germline): Uncertain significance (1 of 4 stars; one submission).

Conditions:
Neuronal ceroid lipofuscinosis 7 (CLN7). Also called: MFSD8-Related Neuronal Ceroid-Lipofuscinosis. Identifiers: Orphanet 168491, Orphanet 228366, MedGen C1838571, MONDO:0012588, OMIM 610951.

Allele frequency attached by ClinVar (database versions not stated): gnomAD exomes below 0.00001; ExAC 0.00001.
gnomAD v4.1: 1 of 1,613,942 alleles (0.000062%); highest among the groups gnomAD compares: Non-Finnish European, 0.000085%; no homozygotes.

Submission:

Labcorp Genetics (formerly Invitae), Labcorp
Classification: Uncertain significance for Neuronal ceroid lipofuscinosis 7. Last evaluated: 2022-07-19. Review status: criteria provided, single submitter. Criteria: Invitae Variant Classification Sherloc (09022015). Collection method: clinical testing. Allele origin: germline.
Comment: This sequence change replaces glycine, which is neutral and non-polar, with arginine, which is basic and polar, at codon 358 of the MFSD8 protein (p.Gly358Arg). In summary, the available evidence is currently insufficient to determine the role of this variant in disease. Therefore, it has been classified as a Variant of Uncertain Significance. Algorithms developed to predict the effect of missense changes on protein structure and function are either unavailable or do not agree on the potential impact of this missense change (SIFT: "Tolerated"; PolyPhen-2: "Probably Damaging"; Align-GVGD: "Class C0"). ClinVar contains an entry for this variant (Variation ID: 1440764). This variant has not been reported in the literature in individuals affected with MFSD8-related conditions. This variant is present in population databases (rs781391960, gnomAD 0.006%).